The following is an entry in ClinVar:

ClinVar aggregate classification (germline): Pathogenic/Likely pathogenic. Review status: criteria provided, multiple submitters, no conflicts (2 of 4 stars). 5 submissions from 5 submitters: Pathogenic (4); Likely pathogenic (1). Last evaluated 2024-10-17.

Conditions:
LZTR1-related disorder. Also called: LZTR1-related disorders; LZTR1-related condition.
Cardiovascular phenotype. Identifiers: MedGen CN230736.
Hereditary cancer-predisposing syndrome. Also called: Hereditary neoplastic syndrome; Tumor predisposition; Neoplastic Syndromes, Hereditary; Hereditary Cancer Syndrome. Identifiers: Orphanet 140162, MedGen C0027672, MeSH D009386, MONDO:0015356.
Noonan syndrome 2 (NS2). Identifiers: Orphanet 648, MedGen C1854469, MONDO:0011531, OMIM 605275.

Allele frequency attached by ClinVar (database versions not stated): gnomAD exomes 0.00006 and 0.00014; ExAC 0.00012; 1000 Genomes Project 30x 0.00016; gnomAD 0.00017 and 0.00019.
gnomAD v4.1: 111 of 1,612,468 alleles (0.0069%); highest among the groups gnomAD compares: Admixed American, 0.0017%; no homozygotes.

Submissions (5):

Blueprint Genetics
Classification: Pathogenic for LZTR1-related disorders. Last evaluated: 2024-10-17. Review status: criteria provided, single submitter. Criteria: ACMG Guidelines, 2015. Collection method: clinical testing. Allele origin: germline. Affected: yes. Observed: 5 variant alleles.

GeneDx
Classification: Likely pathogenic. Last evaluated: 2024-10-16. Review status: criteria provided, single submitter. Criteria: GeneDx Variant Classification Process June 2021. Collection method: clinical testing. Allele origin: germline. Affected: yes.
Comment: Nonsense variant predicted to result in protein truncation or nonsense mediated decay in a gene for which loss of function is a known mechanism of disease; Co-observed with in trans with another LZTR1 variant in an individual with features overlapping with Noonan syndrome (PMID: 30859559); This variant is associated with the following publications: (PMID: 35840934, 35391499, 38333672, 30859559)

Labcorp Genetics (formerly Invitae), Labcorp
Classification: Pathogenic. Last evaluated: 2024-04-25. Review status: criteria provided, single submitter. Criteria: Invitae Variant Classification Sherloc (09022015). Collection method: clinical testing. Allele origin: germline.
Comment: This sequence change creates a premature translational stop signal (p.Trp469*) in the LZTR1 gene. It is expected to result in an absent or disrupted protein product. Loss-of-function variants in LZTR1 are known to be pathogenic (PMID: 24362817, 25335493, 25480913, 25795793, 29469822, 30368668, 30442762, 30442766, 30481304, 30859559). This variant is present in population databases (rs777243508, gnomAD 0.1%). This premature translational stop signal has been observed in individual(s) with milder Noonan syndrome-like features (PMID: 30859559). ClinVar contains an entry for this variant (Variation ID: 549753). For these reasons, this variant has been classified as Pathogenic.

Ambry Genetics
Classification: Pathogenic for Cardiovascular phenotype; Hereditary cancer-predisposing syndrome. Last evaluated: 2023-03-31. Review status: criteria provided, single submitter. Criteria: Ambry Variant Classification Scheme 2023. Collection method: clinical testing. Allele origin: germline.
Comment: The p.W469* pathogenic mutation (also known as c.1407G>A), located in coding exon 13 of the LZTR1 gene, results from a G to A substitution at nucleotide position 1407. This changes the amino acid from a tryptophan to a stop codon within coding exon 13. In addition to the clinical data presented in the literature, this alteration is expected to result in loss of function by premature protein truncation or nonsense-mediated mRNA decay. Loss-of-function variants in LZTR1 are related to an increased risk for schwannomas and autosomal recessive Noonan syndrome; however, such associations with autosomal dominant Noonan syndrome have not been observed (Piotrowski A et al. Nat Genet. 2014 Feb;46:182-7; Yamamoto GL et al. J Med Genet. 2015 Jun;52:413-21; Johnston JJ et al. Genet Med. 2018 10;20:1175-1185). Based on the supporting evidence, this variant is pathogenic for an increased risk of LZTR1-related schwannomatosis (SWN) and would be expected to cause autosomal recessive Noonan syndrome when present along with a second pathogenic or likely pathogenic variant on the other allele; however, the association of this alteration with autosomal dominant Noonan syndrome is unlikely.

Clinical and Biomedical Sciences, University of Exeter
Classification: Pathogenic for Noonan syndrome 2. Last evaluated: 2018-07-02. Review status: criteria provided, single submitter. Criteria: ACMG Guidelines, 2015. Collection method: research. Allele origin: paternal. Affected: yes. Observed: 1 variant allele.

Literature cited by the submitters: PubMed 24362817 (cited by Labcorp Genetics (formerly Invitae), Labcorp); PubMed 25335493 (cited by Labcorp Genetics (formerly Invitae), Labcorp); PubMed 25480913 (cited by Labcorp Genetics (formerly Invitae), Labcorp); PubMed 25795793 (cited by Labcorp Genetics (formerly Invitae), Labcorp); PubMed 29469822 (cited by Labcorp Genetics (formerly Invitae), Labcorp); PubMed 30368668 (cited by Labcorp Genetics (formerly Invitae), Labcorp); PubMed 30442762 (cited by Labcorp Genetics (formerly Invitae), Labcorp); PubMed 30442766 (cited by Labcorp Genetics (formerly Invitae), Labcorp); PubMed 30481304 (cited by Labcorp Genetics (formerly Invitae), Labcorp); PubMed 30859559 (cited by Labcorp Genetics (formerly Invitae), Labcorp).

NM_006767.4(LZTR1):c.1407G>A (p.Trp469Ter)

Gene: LZTR1 (leucine zipper like post translational regulator 1; plus strand). Cytogenetic location: 22q11.21.
Variant type: single nucleotide variant.
Coding change: c.1407G>A on transcript NM_006767.4 (MANE Select); coding-DNA position 1407, G replaced by A.
Protein change: p.Trp469Ter; replaces tryptophan 469 with a stop codon.
Molecular consequence: nonsense.
Genome position (GRCh38, 1-based): chr22:20,993,977, G>A. VCF-style: chr22-20993977-G-A. GRCh37 (hg19) VCF-style: chr22-21348266-G-A.
Other names: short protein forms W469*.
Identifiers: ClinVar variation 549753 (VCV000549753.14), dbSNP rs777243508, ClinGen allele CA10118876.